The following is an entry in ClinVar:

ClinVar aggregate classification (germline): Pathogenic/Likely pathogenic. Review status: criteria provided, multiple submitters, no conflicts (2 of 4 stars). 3 submissions from 3 submitters: Pathogenic (1); Likely pathogenic (1). 1 of the submissions does not count toward it. Last evaluated 2024-05-08.

Conditions:
Classic homocystinuria. Also called: HOMOCYSTINURIA WITH OR WITHOUT RESPONSE TO PYRIDOXINE; Homocystinuria due to Cystathionine Beta-Synthase Deficiency; Homocystinuria due to CBS deficiency; Cystathionine beta-synthase deficiency; CBS deficiency. Identifiers: Orphanet 394, MedGen C0751202, MONDO:0009352, OMIM 236200.

Submissions (3):

Myriad Genetics, Inc.
Classification: Pathogenic for Classic homocystinuria. Last evaluated: 2024-05-08. Review status: criteria provided, single submitter. Criteria: Myriad Autosomal Dominant, Autosomal Recessive and X-Linked Classification Criteria (2023). Collection method: clinical testing. Allele origin: unknown.
Comment: NM_000071.2(CBS):c.1223G>A(W408*) is expected to be pathogenic in the context of homocystinuria, CBS-related. This variant is predicted to lead to an abnormal or absent protein product due to the creation of a premature termination codon in CBS, a gene where loss-of-function variants are known to be pathogenic. Please note: this variant was assessed in the context of healthy population screening.

GeneDx
Classification: Likely pathogenic. Last evaluated: 2017-01-13. Review status: criteria provided, single submitter. Criteria: GeneDx Variant Classification (06012015). Collection method: clinical testing. Allele origin: germline. Affected: yes.
Comment: The W408X likely pathogenic variant in the CBS gene has not been reported as a pathogenic variant or as a benign variant to our knowledge. W408X is predicted to cause loss of normal protein function either by protein truncation or nonsense-mediated mRNA decay. Other nonsense variants in the CBS gene have been reported in the Human Gene Mutation Database in association with homocystinuria (Stenson et al., 2014). Furthermore, the W408X variant has not been observed in large population cohorts (Lek et al., 2016; McVean et al., 2012; Exome Variant Server; Exome Aggregation Consortium).

Natera, Inc.
Classification: Likely pathogenic for Homocystinuria due to cystathionine beta-synthase deficiency. Last evaluated: 2020-09-16. Review status: no assertion criteria provided. Collection method: clinical testing. Allele origin: germline. Not counted in ClinVar's aggregate classification.

NM_000071.3(CBS):c.1223G>A (p.Trp408Ter)

Gene: CBS (cystathionine beta-synthase; minus strand). Cytogenetic location: 21q22.3.
Variant type: single nucleotide variant.
Coding change: c.1223G>A on transcript NM_000071.3 (MANE Select); coding-DNA position 1223, G replaced by A.
Protein change: p.Trp408Ter; replaces tryptophan 408 with a stop codon.
Molecular consequence: nonsense.
Genome position (GRCh38, 1-based): chr21:43,059,226, C>T on the plus strand (G>A on the coding strand, the complement: CBS is on the minus strand). VCF-style: chr21-43059226-C-T. GRCh37 (hg19) VCF-style: chr21-44479336-C-T.
Other names: p.W408*:TGG>TAG; c.1223G>A, p.Trp408Ter (NM_001178008.3, NM_001178009.3, NM_001320298.2); c.908G>A, p.Trp303Ter (NM_001321072.1); short protein forms W408*, W303*.
Identifiers: ClinVar variation 212865 (VCV000212865.4), dbSNP rs863223433, ClinGen allele CA320559.